The following is an entry in ClinVar:

NM_000188.3(HK1):c.1675A>G (p.Ile559Val)

Gene: HK1 (hexokinase 1; plus strand). Cytogenetic location: 10q22.1.
Variant type: single nucleotide variant.
Coding change: c.1675A>G on transcript NM_000188.3 (MANE Select); coding-DNA position 1675, A replaced by G.
Protein change: p.Ile559Val; replaces isoleucine 559 with valine.
Molecular consequence: missense variant. On other transcripts: non-coding transcript variant (2).
Genome position (GRCh38, 1-based): chr10:69,384,437, A>G. VCF-style: chr10-69384437-A-G. GRCh37 (hg19) VCF-style: chr10-71144193-A-G.
Other names: c.1687A>G, p.Ile563Val (NM_001322364.2, NM_001358263.1, NM_033497.3 and 1 more transcripts); c.1780A>G, p.Ile594Val (NM_001322365.2); c.1591A>G, p.Ile531Val (NM_001322366.1, NM_001441143.1); c.1579A>G, p.Ile527Val (NM_001322367.1); c.1675A>G, p.Ile559Val (NM_001441139.1, NM_001441141.1, NM_001441145.1 and 2 more transcripts); c.1666A>G, p.Ile556Val (NM_001441140.1); c.1633A>G, p.Ile545Val (NM_001441142.1); c.1555A>G, p.Ile519Val (NM_001441144.1); and 8 more; short protein forms I321V, I429V, I531V, I559V, I223V, I527V, I545V, I563V.
Identifiers: ClinVar variation 5008701 (VCV005008701.1).
Genomic context (GRCh38, chr10:69,384,437, plus strand): 5'-CGTGTGCTGCTGGTGAAAATCCGTAGTGGGAAAAAGAGAACGGTGGAAATGCACAACAAG[A>G]TCTACGCCATTCCTATTGAAATCATGCAGGGCACTGGGGAAGAGGTGAGATTACAAAACC-3'
Protein context (NP_000179.2, residues 549-569): KKRTVEMHNK[Ile559Val]YAIPIEIMQG

ClinVar aggregate classification (germline): Uncertain significance (1 of 4 stars; one submission).

Submission:

GeneDx
Classification: Uncertain significance. Last evaluated: 2026-03-10. Review status: criteria provided, single submitter. Criteria: GeneDx Variant Classification Process June 2021. Collection method: clinical testing. Allele origin: germline.
Comment: Not observed at significant frequency in large population cohorts (gnomAD); In silico analysis suggests that this missense variant does not alter protein structure/function; Has not been previously published as pathogenic or benign to our knowledge